The following is an entry in ClinVar:

ClinVar aggregate classification (germline): Uncertain significance (1 of 4 stars; one submission).

Submission:

Labcorp Genetics (formerly Invitae), Labcorp
Classification: Uncertain significance. Last evaluated: 2021-12-23. Review status: criteria provided, single submitter. Criteria: Invitae Variant Classification Sherloc (09022015). Collection method: clinical testing. Allele origin: germline.
Comment: This variant, c.563_565del, results in the deletion of 1 amino acid(s) of the MSH3 protein (p.Arg188del), but otherwise preserves the integrity of the reading frame. This variant is not present in population databases (gnomAD no frequency). This variant has not been reported in the literature in individuals affected with MSH3-related conditions. Experimental studies and prediction algorithms are not available or were not evaluated, and the functional significance of this variant is currently unknown. In summary, the available evidence is currently insufficient to determine the role of this variant in disease. Therefore, it has been classified as a Variant of Uncertain Significance.

NM_002439.5(MSH3):c.563_565del (p.Arg188del)

Gene: MSH3 (mutS homolog 3; plus strand). Cytogenetic location: 5q14.1.
Variant type: Deletion.
Coding change: c.563_565del on transcript NM_002439.5 (MANE Select); coding-DNA positions 563 to 565, 3 bases deleted (GTC; older notation c.563_565delGTC).
Protein change: p.Arg188del; deletes arginine 188.
Molecular consequence: inframe deletion.
Genome position (GRCh38, 1-based): chr5:80,665,347-80,665,349, GTC deleted; deleting any 3 consecutive bases within chr5:80,665,346-80,665,349 gives the same sequence; the c. name uses the placement nearest the transcript's 3' end. VCF-style (leftmost placement, unchanged base first): chr5-80665345-ACGT-A. GRCh37 (hg19) VCF-style: chr5-79961164-ACGT-A.
Other names: short protein forms R188del.
Identifiers: ClinVar variation 2054620 (VCV002054620.4), dbSNP rs2546717581, ClinGen allele CA2580073553.